The following is an entry in ClinVar:

NM_000179.3(MSH6):c.2193A>G (p.Gln731=)

Gene: MSH6 (mutS homolog 6; plus strand). Cytogenetic location: 2p16.3.
Variant type: single nucleotide variant.
Coding change: c.2193A>G on transcript NM_000179.3 (MANE Select); coding-DNA position 2193, A replaced by G.
Protein change: p.Gln731=; no amino-acid change (glutamine 731 retained).
Molecular consequence: synonymous variant.
Genome position (GRCh38, 1-based): chr2:47,800,176, A>G. VCF-style: chr2-47800176-A-G. GRCh37 (hg19) VCF-style: chr2-48027315-A-G.
Other names: c.1803A>G, p.Gln601= (NM_001281492.2); c.1287A>G, p.Gln429= (NM_001281493.2, NM_001281494.2).
Identifiers: ClinVar variation 416159 (VCV000416159.19), dbSNP rs1055190211, ClinGen allele CA16610922.

ClinVar aggregate classification (germline): Benign/Likely benign. Review status: criteria provided, multiple submitters, no conflicts (2 of 4 stars). 6 submissions from 6 submitters: Benign (1); Likely benign (5). Last evaluated 2025-11-17.

Conditions:
Lynch syndrome 5 (LYNCH5). Also called: Colorectal cancer, hereditary nonpolyposis, type 5; Hereditary non-polyposis colorectal cancer, type 5. Identifiers: Orphanet 144, MedGen C1833477, MONDO:0013710, OMIM 614350. Disease mechanism: loss of function.
Hereditary cancer-predisposing syndrome. Also called: Tumor predisposition; Neoplastic Syndromes, Hereditary; Hereditary neoplastic syndrome; Hereditary Cancer Syndrome. Identifiers: Orphanet 140162, MedGen C0027672, MeSH D009386, MONDO:0015356.
Hereditary nonpolyposis colorectal neoplasms. Identifiers: MedGen C0009405, MeSH D003123.
Lynch syndrome. Identifiers: Orphanet 144, MedGen C4552100, MONDO:0005835. Disease mechanism: loss of function.

Allele frequency attached by ClinVar (database versions not stated): gnomAD exomes below 0.00001; TOPMed 0.00002.
gnomAD v4.1: 3 of 1,614,228 alleles (0.00019%); highest among the groups gnomAD compares: Middle Eastern, 0.033%; 1 homozygote.

Submissions (6):

Labcorp Genetics (formerly Invitae), Labcorp
Classification: Likely benign for Hereditary nonpolyposis colorectal neoplasms. Last evaluated: 2025-11-17. Review status: criteria provided, single submitter. Criteria: Invitae Variant Classification Sherloc (09022015). Collection method: clinical testing. Allele origin: germline.

Myriad Genetics, Inc.
Classification: Benign for Lynch syndrome 5. Last evaluated: 2024-12-30. Review status: criteria provided, single submitter. Criteria: Myriad Autosomal Dominant, Autosomal Recessive and X-Linked Classification Criteria (2023). Collection method: clinical testing. Allele origin: unknown.
Comment: This variant is considered benign. This variant is a silent/synonymous amino acid change and it is not expected to impact splicing.

All of Us Research Program, National Institutes of Health
Classification: Likely benign for Lynch syndrome. Last evaluated: 2023-11-20. Review status: criteria provided, single submitter. Criteria: ACMG Guidelines, 2015. Collection method: clinical testing. Allele origin: germline. Inheritance: Autosomal dominant inheritance. Observed: 1 variant allele, 1 heterozygote.
Comment: This study involves interpretation of variants in research participants for the purpose of population health screening. Participant phenotype was not available at the time of variant classification. Additional details can be found in publication PMID: 35346344, PMCID: PMC8962531

Women's Health and Genetics/Laboratory Corporation of America, LabCorp
Classification: Likely benign. Last evaluated: 2023-08-31. Review status: criteria provided, single submitter. Criteria: LabCorp Variant Classification Summary - May 2015. Collection method: clinical testing. Allele origin: germline.

GeneDx
Classification: Likely benign. Last evaluated: 2017-03-10. Review status: criteria provided, single submitter. Criteria: GeneDx Variant Classification (06012015). Collection method: clinical testing. Allele origin: germline. Affected: yes.
Comment: This variant is considered likely benign or benign based on one or more of the following criteria: it is a conservative change, it occurs at a poorly conserved position in the protein, it is predicted to be benign by multiple in silico algorithms, and/or has population frequency not consistent with disease.

Ambry Genetics
Classification: Likely benign for Hereditary cancer-predisposing syndrome. Last evaluated: 2015-11-18. Review status: criteria provided, single submitter. Criteria: Ambry Variant Classification Scheme 2023. Collection method: clinical testing. Allele origin: germline.